The following is an entry in ClinVar:

NM_001252024.2(TRPM1):c.3291C>T (p.Phe1097=)

Genes: TRPM1 (transient receptor potential cation channel subfamily M member 1; minus strand), TRPM1-AS1 (TRPM1 antisense RNA 1; plus strand). Cytogenetic location: 15q13.3.
Variant type: single nucleotide variant.
Coding change: c.3291C>T on transcript NM_001252024.2 (MANE Select); coding-DNA position 3291, C replaced by T.
Protein change: p.Phe1097=; no amino-acid change (phenylalanine 1097 retained).
Molecular consequence: synonymous variant.
Genome position (GRCh38, 1-based): chr15:31,028,334, G>A on the plus strand (C>T on the coding strand, the complement: TRPM1 is on the minus strand). VCF-style: chr15-31028334-G-A. GRCh37 (hg19) VCF-style: chr15-31320537-G-A.
Other names: c.3342C>T, p.Phe1114= (NM_001252020.2); c.3225C>T, p.Phe1075= (NM_002420.6); c.3342C>T (NM_001252020.1).
Identifiers: ClinVar variation 738408 (VCV000738408.8), dbSNP rs768687662, ClinGen allele CA7451936.

ClinVar aggregate classification (germline): Likely benign. Review status: criteria provided, multiple submitters, no conflicts (2 of 4 stars). 2 submissions from 2 submitters: Likely benign (2). Last evaluated 2025-07-28.

Conditions:
TRPM1-related disorder. Also called: TRPM1-related condition.

Allele frequency attached by ClinVar (database versions not stated): ExAC 0.00001; gnomAD exomes 0.00001; gnomAD 0.00003 and 0.00004; TOPMed 0.00003.
gnomAD v4.1: 16 of 1,613,984 alleles (0.00099%); highest among the groups gnomAD compares: African/African-American, 0.0013%; no homozygotes.

Submissions (2):

PreventionGenetics, part of Exact Sciences
Classification: Likely benign for TRPM1-related condition. Last evaluated: 2025-07-28. Review status: criteria provided, single submitter. Criteria: ACMG Guidelines, 2015. Collection method: clinical testing. Allele origin: germline.
Comment: This variant is classified as likely benign based on ACMG/AMP sequence variant interpretation guidelines (Richards et al. 2015 PMID: 25741868, with internal and published modifications).

Labcorp Genetics (formerly Invitae), Labcorp
Classification: Likely benign. Last evaluated: 2025-07-03. Review status: criteria provided, single submitter. Criteria: Invitae Variant Classification Sherloc (09022015). Collection method: clinical testing. Allele origin: germline.